The following is an entry in ClinVar:

ClinVar aggregate classification (germline): Uncertain significance (1 of 4 stars; one submission).

Conditions:
Inborn genetic diseases. Identifiers: MedGen C0950123, MeSH D030342.

Submission:

Ambry Genetics
Classification: Uncertain significance for Inborn genetic diseases. Last evaluated: 2024-12-20. Review status: criteria provided, single submitter. Criteria: Ambry Variant Classification Scheme 2023. Collection method: clinical testing. Allele origin: germline.
Comment: The p.H357N variant (also known as c.1069C>A), located in coding exon 6 of the WT1 gene, results from a C to A substitution at nucleotide position 1069. The histidine at codon 357 is replaced by asparagine, an amino acid with similar properties. This amino acid position is conserved. In addition, the in silico prediction for this alteration is inconclusive. Based on the available evidence, the clinical significance of this variant remains unclear.

NM_024426.6(WT1):c.1084C>A (p.His362Asn)

Gene: WT1 (WT1 transcription factor; minus strand). Cytogenetic location: 11p13.
Variant type: single nucleotide variant.
Coding change: c.1084C>A on transcript NM_024426.6 (MANE Select); coding-DNA position 1084, C replaced by A.
Protein change: p.His362Asn; replaces histidine 362 with asparagine.
Molecular consequence: missense variant. On other transcripts: 5 prime UTR variant (1), non-coding transcript variant (2).
Genome position (GRCh38, 1-based): chr11:32,399,977, G>T on the plus strand (C>A on the coding strand, the complement: WT1 is on the minus strand). VCF-style: chr11-32399977-G-T. GRCh37 (hg19) VCF-style: chr11-32421523-G-T.
Other names: c.1033C>A, p.His345Asn (NM_000378.6, NM_001407045.1, NM_001407048.1 and 1 more transcripts); c.433C>A, p.His145Asn (NM_001198551.2); c.382C>A, p.His128Asn (NM_001198552.2); c.-105C>A (NM_001367854.1); c.1078C>A, p.His360Asn (NM_001407044.1); c.1084C>A, p.His362Asn (NM_001407046.1, NM_024424.5); c.961C>A, p.His321Asn (NM_001407047.1); c.910C>A, p.His304Asn (NM_001407050.1); and 3 more; short protein forms H360N, H128N, H272N, H362N, H145N, H108N, H289N, H304N.
Identifiers: ClinVar variation 3817454 (VCV003817454.1).